The following is an entry in ClinVar:

NM_002739.5(PRKCG):c.1693C>G (p.Gln565Glu)

Gene: PRKCG (protein kinase C gamma; plus strand). Cytogenetic location: 19q13.42.
Variant type: single nucleotide variant.
Coding change: c.1693C>G on transcript NM_002739.5 (MANE Select); coding-DNA position 1693, C replaced by G.
Protein change: p.Gln565Glu; replaces glutamine 565 with glutamic acid.
Molecular consequence: missense variant.
Genome position (GRCh38, 1-based): chr19:53,904,671, C>G. VCF-style: chr19-53904671-C-G. GRCh37 (hg19) VCF-style: chr19-54407925-C-G.
Other names: c.1693C>G, p.Gln565Glu (NM_001316329.2); short protein forms Q565E.
Identifiers: ClinVar variation 2446334 (VCV002446334.2), dbSNP rs2068788605, ClinGen allele CA407419823.

ClinVar aggregate classification (germline): Uncertain significance (1 of 4 stars; one submission).

Allele frequency attached by ClinVar (database versions not stated): TOPMed below 0.00001.

Submission:

GeneDx
Classification: Uncertain significance. Last evaluated: 2025-02-13. Review status: criteria provided, single submitter. Criteria: GeneDx Variant Classification Process June 2021. Collection method: clinical testing. Allele origin: germline.
Comment: Not observed at significant frequency in large population cohorts (gnomAD); In silico analysis indicates that this missense variant does not alter protein structure/function; Has not been previously published as pathogenic or benign to our knowledge